The following is an entry in ClinVar:

GRCh37/hg19 4p15.33-15.2(chr4:12238766-23083496)x1

Genes: ADGRA3 (adhesion G protein-coupled receptor A3; minus strand), BOD1L1 (biorientation of chromosomes in cell division 1 like 1; minus strand), BST1 (bone marrow stromal cell antigen 1; plus strand), C1QTNF7 (C1q and TNF related 7; plus strand), CC2D2A (coiled-coil and C2 domain containing 2A; plus strand) and 23 more. Cytogenetic location: 4p15.33-15.2.
Variant type: copy number loss.
Change: copy number 1 (one copy instead of two) of chr4:12,238,766-23,083,496 (10.84 Mb, GRCh37 coordinates, 1-based), cytogenetic band 4p15.33-15.2.
Identifiers: ClinVar variation 2685107 (VCV002685107.1).

ClinVar aggregate classification (germline): Likely pathogenic (1 of 4 stars; one submission).

Submission:

Quest Diagnostics Nichols Institute San Juan Capistrano
Classification: Likely pathogenic. Last evaluated: 2022-08-17. Review status: criteria provided, single submitter. Criteria: ACMG/ClinGen CNV Guidelines, 2019. Collection method: clinical testing. Allele origin: unknown.
Comment: The copy number loss of 4p15.33p15.2 involves multiple protein-coding genes, including PROM1 (OMIM 604365) and SLIT2 (OMIM 603746). Deletions similar to the current interval are sometimes referred to collectively as proximal interstitial deletion 4p15 syndrome (Chitayat 1995, Ishikawa 1990, Romain 1985, OMIM 194190, Tonk 2003). Multiple reports propose SLIT2 as a candidate gene given its reported role in neuronal and brain development (Mitroi 2017, Park 2020). There are no similar copy number losses of this region in the general populations of the Database of Genomic Variants. Thus, based on current medical literature and gene content, this copy number variant (CNV) is classified as likely pathogenic. References: Chitayat et al., Am J Med Genet. 1995 Jan 16;55(2):147-54. PMID: 7717413 Ishikawa et al., Clin Genet. 1990 Oct;38(4):314-7. PMID: 2268977 Mitroi et al., Medicine (Baltimore). 2017 Dec; 96(51): e9301. PMID: 29390495 Park et al., Ann Lab Med. 2020 Sep;40(5):435-437. PMID: 32311861 Romain et al., Clin Genet. 1985 Aug;28(2):166-72. PMID: 4042400 Tonk et al., Ann Genet. 2003 Oct-Dec;46(4):453-8. PMID: 14659781